The following is an entry in ClinVar:

ClinVar aggregate classification (germline): Uncertain significance. Review status: criteria provided, multiple submitters, no conflicts (2 of 4 stars). 3 submissions from 3 submitters: Uncertain significance (3). Last evaluated 2026-01-15.

Conditions:
Ehlers-Danlos syndrome, dermatosparaxis type. Also called: Dermatosparaxis; Ehlers-Danlos syndrome, type VII, autosomal recessive; EDS VIIC. Identifiers: Orphanet 1901, MedGen C2700425, MONDO:0009161, OMIM 225410.

Submissions (3):

Myriad Genetics, Inc.
Classification: Uncertain significance for Ehlers-Danlos syndrome, dermatosparaxis type. Last evaluated: 2026-01-15. Review status: criteria provided, single submitter. Criteria: Myriad Autosomal Dominant, Autosomal Recessive and X-Linked Classification Criteria (2023). Collection method: clinical testing. Allele origin: unknown.
Comment: NM_014244.4(ADAMTS2):c.56_70dup15(L19_L23dup) is an in-frame insertion classified as a variant of uncertain significance in the context of Ehlers-Danlos syndrome, ADAMTS2-related. L19_L23dup has not been observed in cases with relevant disease. Relevant functional assessments of this variant are available in the literature (PMID: 16046392). L19_L23dup has not been observed in referenced population frequency databases. In summary, there is insufficient evidence to classify NM_014244.4(ADAMTS2):c.56_70dup15(L19_L23dup) as pathogenic or benign. Please note: this variant was assessed in the context of healthy population screening.

Mayo Clinic Laboratories, Mayo Clinic
Classification: Uncertain significance. Last evaluated: 2022-01-25. Review status: criteria provided, single submitter. Criteria: ACMG Guidelines, 2015. Collection method: clinical testing. Allele origin: germline.

Labcorp Genetics (formerly Invitae), Labcorp
Classification: Uncertain significance for Ehlers-Danlos syndrome, dermatosparaxis type. Last evaluated: 2021-09-17. Review status: criteria provided, single submitter. Criteria: Invitae Variant Classification Sherloc (09022015). Collection method: clinical testing. Allele origin: germline.
Comment: This variant, c.56_70dup, results in the insertion of 5 amino acid(s) to the ADAMTS2 protein (p.Leu19_Leu23dup), but otherwise preserves the integrity of the reading frame. The frequency data for this variant in the population databases is considered unreliable, as metrics indicate insufficient coverage at this position in the ExAC database. This variant has not been reported in the literature in individuals affected with ADAMTS2-related conditions. Experimental studies and prediction algorithms are not available or were not evaluated, and the functional significance of this variant is currently unknown. In summary, the available evidence is currently insufficient to determine the role of this variant in disease. Therefore, it has been classified as a Variant of Uncertain Significance.

Literature cited by the submitters: PubMed 16046392 (cited by Myriad Genetics, Inc.).

NM_014244.5(ADAMTS2):c.47TGC[13] (p.Leu23_Pro24insLeuLeuLeuLeuLeu)

Gene: ADAMTS2 (ADAM metallopeptidase with thrombospondin type 1 motif 2; minus strand). Cytogenetic location: 5q35.3.
Variant type: Microsatellite.
Coding change: c.47TGC[13] on transcript NM_014244.5 (MANE Select); 13 copies in a row of the 3-base unit TGC starting at c.47; the reference has eight copies in a row; five copies, 15 bases duplicated.
Protein change: p.Leu23_Pro24insLeuLeuLeuLeuLeu.
Molecular consequence: inframe insertion.
Genome position (GRCh38, 1-based): chr5:179,345,259-179,345,273, GCAGCAGCAGCAGCA duplicated on the plus strand (TGCTGCTGCTGCTGC on the coding strand, the reverse complement: ADAMTS2 is on the minus strand); duplicating any 15 consecutive bases within chr5:179,345,259-179,345,284 gives the same sequence; the position shown is the placement nearest the transcript's 3' end. VCF-style (leftmost placement, unchanged base first): chr5-179345258-G-GGCAGCAGCAGCAGCA. GRCh37 (hg19) VCF-style: chr5-178772259-G-GGCAGCAGCAGCAGCA.
Other names: p.Leu19_Leu23dup; c.47TGC[13], p.Leu23_Pro24insLeuLeuLeuLeuLeu (NM_021599.4).
Identifiers: ClinVar variation 1693905 (VCV001693905.7), dbSNP rs568040559, ClinGen allele CA808279324.
Genomic context (GRCh38, chr5:179,345,258, plus strand): 5'-TCGGCGGCGGCGGCGAGCCTGGCGTTCGCGGGCGGCGGCGGCGGCGGCAGGAGCGGCGGC[G>GGCAGCAGCAGCAGCA]GCAGCAGCAGCAGCAGCAGCAGCAGCGCGGGGCAGAGCAGGCGGCGAGCGGCTCCCGCCG-3'